The following is an entry in ClinVar:

ClinVar aggregate classification (germline): Conflicting classifications of pathogenicity. Review status: criteria provided, conflicting classifications (1 of 4 stars). 6 submissions from 6 submitters: Uncertain significance (1); Benign (1); Likely benign (3). 1 of the submissions does not count toward it. Last evaluated 2026-09-01.

Conditions:
MAPKBP1-related disorder. Also called: MAPKBP1-related condition.
Inborn genetic diseases. Identifiers: MedGen C0950123, MeSH D030342.

Allele frequency attached by ClinVar (database versions not stated): 1000 Genomes Project 30x 0.00016; 1000 Genomes Project 0.00020; gnomAD exomes 0.00194 and 0.00269; gnomAD 0.00197 and 0.00205; TOPMed 0.00235; ESP Exome Variant Server 0.00246; ExAC 0.00284.
gnomAD v4.1: 4,203 of 1,602,890 alleles (0.26%); highest among the groups gnomAD compares: Non-Finnish European, 0.3%; 12 homozygotes.

Submissions (6):

CeGaT Center for Human Genetics Tuebingen
Classification: Likely benign. Last evaluated: 2026-09-01. Review status: criteria provided, single submitter. Criteria: CeGaT Center For Human Genetics Tuebingen Variant Classification Criteria Version 2. Collection method: clinical testing. Allele origin: germline. Affected: yes. Observed: 1 variant allele.
Comment: MAPKBP1: BP4

Labcorp Genetics (formerly Invitae), Labcorp
Classification: Benign. Last evaluated: 2026-01-22. Review status: criteria provided, single submitter. Criteria: Invitae Variant Classification Sherloc (09022015). Collection method: clinical testing. Allele origin: germline.

Mayo Clinic Laboratories, Mayo Clinic
Classification: Likely benign. Last evaluated: 2025-11-26. Review status: criteria provided, single submitter. Criteria: ACMG Guidelines, 2015. Collection method: clinical testing. Allele origin: germline. Observed: 1 variant allele.
Comment: BS1, BP4

Blueprint Genetics
Classification: Likely benign. Last evaluated: 2024-11-05. Review status: criteria provided, single submitter. Criteria: ACMG Guidelines, 2015. Collection method: clinical testing. Allele origin: germline.

Ambry Genetics
Classification: Uncertain significance for Inborn genetic diseases. Last evaluated: 2023-12-19. Review status: criteria provided, single submitter. Criteria: Ambry Variant Classification Scheme 2023. Collection method: clinical testing. Allele origin: germline.

PreventionGenetics, part of Exact Sciences
Classification: Benign for MAPKBP1-related condition. Last evaluated: 2019-09-30. Review status: no assertion criteria provided. Collection method: clinical testing. Allele origin: germline. Not counted in ClinVar's aggregate classification.
Comment: This variant is classified as benign based on ACMG/AMP sequence variant interpretation guidelines (Richards et al. 2015 PMID: 25741868, with internal and published modifications).

NM_014994.3(MAPKBP1):c.4265G>A (p.Gly1422Asp)

Gene: MAPKBP1 (mitogen-activated protein kinase binding protein 1; plus strand). Cytogenetic location: 15q15.1.
Variant type: single nucleotide variant.
Coding change: c.4265G>A on transcript NM_014994.3 (MANE Select); coding-DNA position 4265, G replaced by A.
Protein change: p.Gly1422Asp; replaces glycine 1422 with aspartic acid.
Molecular consequence: missense variant. On other transcripts: non-coding transcript variant (2).
Genome position (GRCh38, 1-based): chr15:41,824,535, G>A. VCF-style: chr15-41824535-G-A. GRCh37 (hg19) VCF-style: chr15-42116733-G-A.
Other names: p.Gly1428Asp; c.4283G>A, p.Gly1428Asp (NM_001128608.2); c.3434G>A, p.Gly1145Asp (NM_001265611.2); short protein forms G1145D, G1428D, G1422D.
Identifiers: ClinVar variation 771910 (VCV000771910.16), dbSNP rs143368521, ClinGen allele CA7498786.